The following is an entry in ClinVar:

ClinVar aggregate classification (germline): Conflicting classifications of pathogenicity. Review status: criteria provided, conflicting classifications (1 of 4 stars). 9 submissions from 9 submitters: Uncertain significance (6); Likely benign (2). 1 of the submissions does not count toward it. Last evaluated 2026-01-26.

Conditions:
FANCG-related disorder. Also called: FANCG-related condition.
Fanconi anemia (FA). Also called: Fanconi's anemia. Identifiers: Orphanet 84, MedGen C0015625, MeSH D005199, MONDO:0019391.
Fanconi anemia complementation group G. Also called: Fanconi anemia group G; FANCG-Related Fanconi Anemia. Identifiers: Orphanet 84, MedGen C3469527, MONDO:0013565, OMIM 614082.

Allele frequency attached by ClinVar (database versions not stated): gnomAD exomes 0.00009 and 0.00029; 1000 Genomes Project 0.00020; 1000 Genomes Project 30x 0.00031; ExAC 0.00033; gnomAD 0.00095 and 0.00103; TOPMed 0.00112; ESP Exome Variant Server 0.00138.
gnomAD v4.1: 275 of 1,614,206 alleles (0.017%); highest among the groups gnomAD compares: African/African-American, 0.32%; no homozygotes.

Submissions (9):

Labcorp Genetics (formerly Invitae), Labcorp
Classification: Likely benign for Fanconi anemia. Last evaluated: 2026-01-26. Review status: criteria provided, single submitter. Criteria: Invitae Variant Classification Sherloc (09022015). Collection method: clinical testing. Allele origin: germline.

PreventionGenetics, part of Exact Sciences
Classification: Uncertain significance for FANCG-related condition. Last evaluated: 2025-07-15. Review status: criteria provided, single submitter. Criteria: ACMG Guidelines, 2015. Collection method: clinical testing. Allele origin: germline.
Comment: The FANCG c.739C>A variant is predicted to result in the amino acid substitution p.Gln247Lys. This variant was reported in an individual with head and neck squamous cell carcinoma, although pathogenicity was not established (Table S4, Chandrasekharappa et al 2017. PubMed ID: 28678401). This variant is reported in 0.36% of alleles in individuals of African descent in gnomAD. This variant could be benign. At this time, the clinical significance of this variant is uncertain due to the absence of conclusive functional and genetic evidence.

Blueprint Genetics
Classification: Uncertain significance. Last evaluated: 2024-08-28. Review status: criteria provided, single submitter. Criteria: ACMG Guidelines, 2015. Collection method: clinical testing. Allele origin: germline.

St. Jude Molecular Pathology, St. Jude Children's Research Hospital
Classification: Uncertain significance for Fanconi anemia complementation group G. Last evaluated: 2022-10-26. Review status: criteria provided, single submitter. Criteria: St. Jude Assertion Criteria 2020. Collection method: clinical testing. Allele origin: germline.
Comment: The FANCG c.739C>A (p.Gln247Lys) missense change has a maximum subpopulation frequency of 0.36% in gnomAD v2.1.1. The in silico tool REVEL predicts a benign effect on protein function, but to our knowledge this prediction has not been confirmed by functional studies. This variant has been reported as heterozygous in at least one individual with a head or neck squamous cell carcinoma (PMID: 28678401). To our knowledge, this variant has not been reported in individuals with Fanconi anemia. In summary, the evidence currently available is insufficient to determine the clinical significance of this variant. It has therefore been classified as of uncertain significance.

Sema4
Classification: Uncertain significance for Fanconi anemia. Last evaluated: 2021-07-26. Review status: criteria provided, single submitter. Criteria: Sema4 Curation Guidelines. Collection method: curation. Allele origin: germline.
Comment: The FANCG c.739C>A (p.Q247K) variant has been reported in heterozygosity in at least one individual with a head or neck squamous cell carcinoma (PMID: 28678401). This variant was observed in 89/24970 chromosomes in the African/African American population, with no homozygotes, according to the Genome Aggregation Database (PMID: 32461654). The variant has been reported in ClinVar (Variation ID 435153). Functional studies have not been performed and in silico tool predictions of the variant's effect on protein function are inconclusive. Based on the current evidence available, this variant is interpreted as a variant of uncertain significance.

Baylor Genetics
Classification: Uncertain significance for Fanconi anemia complementation group G. Last evaluated: 2020-01-07. Review status: criteria provided, single submitter. Criteria: ACMG Guidelines, 2015. Collection method: clinical testing. Allele origin: unknown. Affected: yes. Study: CSER-TexasKidsCanSeq.
Comment: This variant was determined to be of uncertain significance according to ACMG Guidelines, 2015 [PMID:25741868].

GeneDx
Classification: Likely benign. Last evaluated: 2019-05-21. Review status: criteria provided, single submitter. Criteria: GeneDx Variant Classification Process June 2021. Collection method: clinical testing. Allele origin: germline. Affected: yes.
Comment: This variant is associated with the following publications: (PMID: 28678401)

Genetic Services Laboratory, University of Chicago
Classification: Uncertain significance. Last evaluated: 2016-03-16. Review status: criteria provided, single submitter. Criteria: ACMG Guidelines, 2015. Collection method: clinical testing. Allele origin: germline. Affected: no.

Natera, Inc.
Classification: Likely benign for Fanconi anemia group G. Last evaluated: 2020-02-11. Review status: no assertion criteria provided. Collection method: clinical testing. Allele origin: germline. Not counted in ClinVar's aggregate classification.

Literature cited by the submitters: PubMed 28678401 (cited by Sema4).

NM_004629.2(FANCG):c.739C>A (p.Gln247Lys)

Gene: FANCG (FA complementation group G; minus strand). Cytogenetic location: 9p13.3.
Variant type: single nucleotide variant.
Coding change: c.739C>A on transcript NM_004629.2 (MANE Select); coding-DNA position 739, C replaced by A.
Protein change: p.Gln247Lys; replaces glutamine 247 with lysine.
Molecular consequence: missense variant.
Genome position (GRCh38, 1-based): chr9:35,077,009, G>T on the plus strand (C>A on the coding strand, the complement: FANCG is on the minus strand). VCF-style: chr9-35077009-G-T. GRCh37 (hg19) VCF-style: chr9-35077006-G-T.
Other names: short protein forms Q247K.
Identifiers: ClinVar variation 435153 (VCV000435153.26), dbSNP rs145613634, ClinGen allele CA5039969.